The following is an entry in ClinVar:

ClinVar aggregate classification (germline): Uncertain significance (1 of 4 stars; one submission).

Conditions:
Familial thoracic aortic aneurysm and aortic dissection (TAAD). Also called: Thoracic aortic aneurysms and dissections. Identifiers: Orphanet 91387, MedGen C4707243, MONDO:0019625.

Submission:

Ambry Genetics
Classification: Uncertain significance for Familial thoracic aortic aneurysm and aortic dissection. Last evaluated: 2026-07-02. Review status: criteria provided, single submitter. Criteria: Ambry Variant Classification Scheme 2023. Collection method: clinical testing. Allele origin: germline.
Comment: The p.N123Y variant (also known as c.367A>T), located in coding exon 2 of the SMAD3 gene, results from an A to T substitution at nucleotide position 367. The asparagine at codon 123 is replaced by tyrosine, an amino acid with dissimilar properties. This amino acid position is conserved. In addition, this alteration is predicted to be deleterious by in silico analysis. Based on the available evidence, the clinical significance of this variant remains unclear.

NM_005902.4(SMAD3):c.367A>T (p.Asn123Tyr)

Gene: SMAD3 (SMAD family member 3; plus strand). Cytogenetic location: 15q22.33.
Variant type: single nucleotide variant.
Coding change: c.367A>T on transcript NM_005902.4 (MANE Select); coding-DNA position 367, A replaced by T.
Protein change: p.Asn123Tyr; replaces asparagine 123 with tyrosine.
Molecular consequence: missense variant.
Genome position (GRCh38, 1-based): chr15:67,165,055, A>T. VCF-style: chr15-67165055-A-T. GRCh37 (hg19) VCF-style: chr15-67457393-A-T.
Other names: c.52A>T, p.Asn18Tyr (NM_001145102.2, NM_001407015.1, NM_001407016.1); c.235A>T, p.Asn79Tyr (NM_001145103.2); c.367A>T, p.Asn123Tyr (NM_001407011.1, NM_001407012.1, NM_001407013.1); c.220A>T, p.Asn74Tyr (NM_001407014.1); short protein forms N123Y, N79Y, N74Y, N18Y.
Identifiers: ClinVar variation 5029701 (VCV005029701.1).